The following is an entry in ClinVar:

NM_002576.5(PAK1):c.784A>T (p.Ser262Cys)

Gene: PAK1 (p21 (RAC1) activated kinase 1; minus strand). Cytogenetic location: 11q13.5.
Variant type: single nucleotide variant.
Coding change: c.784A>T on transcript NM_002576.5 (MANE Select); coding-DNA position 784, A replaced by T.
Protein change: p.Ser262Cys; replaces serine 262 with cysteine.
Molecular consequence: missense variant. On other transcripts: non-coding transcript variant (2), intron variant (2).
Genome position (GRCh38, 1-based): chr11:77,353,588, T>A on the plus strand (A>T on the coding strand, the complement: PAK1 is on the minus strand). VCF-style: chr11-77353588-T-A. GRCh37 (hg19) VCF-style: chr11-77064633-T-A.
Other names: c.784A>T, p.Ser262Cys (NM_001376291.1, NM_001376292.1, NM_001376293.1 and 23 more transcripts); c.775A>T, p.Ser259Cys (NM_001376294.1); c.535A>T, p.Ser179Cys (NM_001376301.1); c.490A>T, p.Ser164Cys (NM_001376302.1, NM_001376304.1, NM_001376305.1); c.597+5310A>T (NM_001376303.1); c.772+2080A>T (NM_001376295.1); c.805A>T, p.Ser269Cys (NM_001376272.1); short protein forms S164C, S179C, S259C, S262C, S269C.
Identifiers: ClinVar variation 4527446 (VCV004527446.1).

ClinVar aggregate classification (germline): Uncertain significance (1 of 4 stars; one submission).

Submission:

GeneDx
Classification: Uncertain significance. Last evaluated: 2025-04-23. Review status: criteria provided, single submitter. Criteria: GeneDx Variant Classification Process June 2021. Collection method: clinical testing. Allele origin: germline. Affected: yes.
Comment: Not observed at significant frequency in large population cohorts (gnomAD); In silico analysis supports that this missense variant has a deleterious effect on protein structure/function; Has not been previously published as pathogenic or benign to our knowledge